The following is an entry in ClinVar:

NM_006662.3(SRCAP):c.1487A>G (p.Gln496Arg)

Gene: SRCAP (Snf2 related CREBBP activator protein; plus strand). Cytogenetic location: 16p11.2.
Variant type: single nucleotide variant.
Coding change: c.1487A>G on transcript NM_006662.3 (MANE Select); coding-DNA position 1487, A replaced by G.
Protein change: p.Gln496Arg; replaces glutamine 496 with arginine.
Molecular consequence: missense variant.
Genome position (GRCh38, 1-based): chr16:30,711,739, A>G. VCF-style: chr16-30711739-A-G. GRCh37 (hg19) VCF-style: chr16-30723060-A-G.
Other names: short protein forms Q496R.
Identifiers: ClinVar variation 1334715 (VCV001334715.4), dbSNP rs2151288400, ClinGen allele CA395604088.

ClinVar aggregate classification (germline): Uncertain significance (1 of 4 stars; one submission).

Submission:

Greenwood Genetic Center Diagnostic Laboratories, Greenwood Genetic Center
Classification: Uncertain significance. Last evaluated: 2021-12-30. Review status: criteria provided, single submitter. Criteria: ACMG Guidelines, 2015. Collection method: clinical testing. Allele origin: germline. Affected: yes.
Comment: PM2